The following is an entry in ClinVar:

ClinVar aggregate classification (germline): Uncertain significance (1 of 4 stars; one submission).

gnomAD v4.1: 1 of 1,217,804 alleles (0.000082%); highest among the groups gnomAD compares: South Asian, 0.0023%; no homozygotes.

Submission:

GeneDx
Classification: Uncertain significance. Last evaluated: 2023-08-21. Review status: criteria provided, single submitter. Criteria: GeneDx Variant Classification Process June 2021. Collection method: clinical testing. Allele origin: germline. Affected: yes.
Comment: Not observed at significant frequency in large population cohorts (gnomAD); Has not been previously published as pathogenic or benign to our knowledge; Nonsense variant predicted to result in protein truncation or nonsense mediated decay in a gene or region of a gene for which loss of function is not a well-established mechanism of disease; Variants in candidate genes are classified as variants of uncertain significance in accordance with ACMG guidelines (Richards et al., 2015)

NM_001037283.2(EIF3B):c.40G>T (p.Glu14Ter)

Gene: EIF3B (eukaryotic translation initiation factor 3 subunit B; plus strand). Cytogenetic location: 7p22.3.
Variant type: single nucleotide variant.
Coding change: c.40G>T on transcript NM_001037283.2 (MANE Select); coding-DNA position 40, G replaced by T.
Protein change: p.Glu14Ter; replaces glutamic acid 14 with a stop codon.
Molecular consequence: nonsense. On other transcripts: intron variant (2).
Genome position (GRCh38, 1-based): chr7:2,354,961, G>T. VCF-style: chr7-2354961-G-T. GRCh37 (hg19) VCF-style: chr7-2394596-G-T.
Other names: c.40G>T, p.Glu14Ter (NM_001362791.2, NM_003751.4); c.-504-273G>T (NM_001362792.2, NM_001362793.2); short protein forms E14*.
Identifiers: ClinVar variation 4529720 (VCV004529720.1).